The following is an entry in ClinVar:

NM_000077.5(CDKN2A):c.58G>T (p.Ala20Ser)

Gene: CDKN2A (cyclin dependent kinase inhibitor 2A; minus strand). Cytogenetic location: 9p21.3.
Variant type: single nucleotide variant.
Coding change: c.58G>T on transcript NM_000077.5; coding-DNA position 58, G replaced by T.
Protein change: p.Ala20Ser; replaces alanine 20 with serine.
Molecular consequence: missense variant (on NM_000077.6). On other transcripts: intron variant (2).
Genome position (GRCh38, 1-based): chr9:21,974,770, C>A on the plus strand (G>T on the coding strand, the complement: CDKN2A is on the minus strand). VCF-style: chr9-21974770-C-A. GRCh37 (hg19) VCF-style: chr9-21974769-C-A.
Other names: c.58G>T, p.Ala20Ser (NM_000077.6, NM_001195132.2, NM_058197.5); c.-3-3562G>T (NM_001363763.2); c.194-3562G>T (NM_058195.4); short protein forms A20S.
Identifiers: ClinVar variation 664488 (VCV000664488.19), dbSNP rs760065045, ClinGen allele CA5012327.

ClinVar aggregate classification (germline): Uncertain significance. Review status: criteria provided, multiple submitters, no conflicts (2 of 4 stars). 5 submissions from 5 submitters: Uncertain significance (5). Last evaluated 2025-11-11.

Conditions:
Melanoma and neural system tumor syndrome. Also called: MELANOMA-ASTROCYTOMA SYNDROME. Identifiers: Orphanet 252206, MedGen C1835042, MONDO:0007967, OMIM 155755.
Hereditary cancer-predisposing syndrome. Also called: Neoplastic Syndromes, Hereditary; Hereditary Cancer Syndrome; Tumor predisposition; Hereditary neoplastic syndrome. Identifiers: Orphanet 140162, MedGen C0027672, MeSH D009386, MONDO:0015356.
Familial melanoma. Also called: Hereditary melanoma; Hereditary cutaneous melanoma. Identifiers: Orphanet 618, MedGen C1512419, MONDO:0018961.

Allele frequency attached by ClinVar (database versions not stated): gnomAD exomes below 0.00001; TOPMed below 0.00001; ExAC 0.00001.
gnomAD v4.1: 2 of 1,607,526 alleles (0.00012%); highest among the groups gnomAD compares: Non-Finnish European, 0.00017%; no homozygotes.

Submissions (5):

Labcorp Genetics (formerly Invitae), Labcorp
Classification: Uncertain significance for Familial melanoma. Last evaluated: 2025-11-11. Review status: criteria provided, single submitter. Criteria: Invitae Variant Classification Sherloc (09022015). Collection method: clinical testing. Allele origin: germline.
Comment: This sequence change replaces alanine, which is neutral and non-polar, with serine, which is neutral and polar, at codon 20 of the CDKN2A (p16INK4a) protein (p.Ala20Ser). This variant is present in population databases (rs760065045, gnomAD 0.001%). This variant has not been reported in the literature in individuals affected with CDKN2A (p16INK4a)-related conditions. ClinVar contains an entry for this variant (Variation ID: 664488). An algorithm developed to predict the effect of missense changes on protein structure and function outputs the following: PolyPhen-2: "Benign". The serine amino acid residue is found in multiple mammalian species, which suggests that this missense change does not adversely affect protein function. Experimental studies have shown that this missense change does not substantially affect CDKN2A (p16INK4a) function (PMID: 21462282). In summary, the available evidence is currently insufficient to determine the role of this variant in disease. Therefore, it has been classified as a Variant of Uncertain Significance.

Ambry Genetics
Classification: Uncertain significance for Hereditary cancer-predisposing syndrome. Last evaluated: 2025-05-02. Review status: criteria provided, single submitter. Criteria: Ambry Variant Classification Scheme 2023. Collection method: clinical testing. Allele origin: germline.
Comment: The p.A20S variant (also known as c.58G>T), located in coding exon 1 of the CDKN2A gene, results from a G to T substitution at nucleotide position 58. The alanine at codon 20 is replaced by serine, an amino acid with similar properties. In a cell cycle activity assay, this alteration showed normal binding to CDK4 and CDK6 proteins; however, authors noted that normal binding to CDK4 or CDK6 is a poor predictor of cell cycle function and pathogenicity and a normal result in the assay does not change the odds that a variant is pathogenic or neutral (Miller PJ et al. Hum Mutat. 2011; 32:900-11). This amino acid position is well conserved in available vertebrate species. In addition, this alteration is predicted to be tolerated by in silico analysis. Based on the available evidence, the clinical significance of this variant remains unclear.

Baylor Genetics
Classification: Uncertain significance for Melanoma and neural system tumor syndrome. Last evaluated: 2024-03-27. Review status: criteria provided, single submitter. Criteria: ACMG Guidelines, 2015. Collection method: clinical testing. Allele origin: unknown.

GeneDx
Classification: Uncertain significance. Last evaluated: 2023-04-04. Review status: criteria provided, single submitter. Criteria: GeneDx Variant Classification Process June 2021. Collection method: clinical testing. Allele origin: germline. Affected: yes.
Comment: Not observed at significant frequency in large population cohorts (gnomAD); In silico analysis supports that this missense variant does not alter protein structure/function; A published functional study demonstrates normal binding of CDK4 and CDK6, similar to wildtype; however, the authors acknowledge that normal binding of CDK4 or CDK6 is a poor predictor of cell cycle function and pathogenicity (Miller et al., 2011); This variant is associated with the following publications: (PMID: 8834170, 7796400, 9132280, 21462282)

Color Diagnostics, LLC DBA Color Health
Classification: Uncertain significance for Hereditary cancer-predisposing syndrome. Last evaluated: 2023-03-09. Review status: criteria provided, single submitter. Criteria: ACMG Guidelines, 2015. Collection method: clinical testing. Allele origin: germline.
Comment: The CDKN2A locus encodes two different gene products, p16INK4a and p14ARF. This missense variant replaces alanine with serine at codon 20 of the CDKN2A (p16INK4A) protein. Computational prediction suggests that this variant may not impact protein structure and function (internally defined REVEL score threshold <= 0.5, PMID: 27666373). Functional studies have shown that this variant does not impact binding to CDK4 and CDK6 in a cell cycle activity assay (PMID: 21462282). This variant has not been reported in individuals affected with CDKN2A-related disorders in the literature. This variant has been identified in 1/231482 chromosomes in the general population by the Genome Aggregation Database (gnomAD). The available evidence is insufficient to determine the role of this variant in disease conclusively. Therefore, this variant is classified as a Variant of Uncertain Significance.

Literature cited by the submitters: PubMed 21462282 (cited by 3 submitters); PubMed 7796400 (cited by Ambry Genetics); PubMed 9132280 (cited by Ambry Genetics).